The following is an entry in ClinVar:

ClinVar aggregate classification (germline): Uncertain significance (1 of 4 stars; one submission).

Conditions:
Bethlem myopathy 1A. Also called: Bethlem myopathy 1; MYOPATHY, BENIGN CONGENITAL, WITH CONTRACTURES; Bethlem Muscular Dystrophy. Identifiers: Orphanet 610, MedGen CN029274, MONDO:0024530, OMIM 158810.

Submission:

Labcorp Genetics (formerly Invitae), Labcorp
Classification: Uncertain significance for Bethlem myopathy 1A. Last evaluated: 2026-01-26. Review status: criteria provided, single submitter. Criteria: Invitae Variant Classification Sherloc (09022015). Collection method: clinical testing. Allele origin: germline.
Comment: This sequence change replaces proline, which is neutral and non-polar, with threonine, which is neutral and polar, at codon 503 of the COL6A3 protein (p.Pro503Thr). This variant is not present in population databases (gnomAD no frequency). This variant has not been reported in the literature in individuals affected with COL6A3-related conditions. ClinVar contains an entry for this variant (Variation ID: 2814694). Invitae Evidence Modeling of protein sequence and biophysical properties (such as structural, functional, and spatial information, amino acid conservation, physicochemical variation, residue mobility, and thermodynamic stability) indicates that this missense variant is not expected to disrupt COL6A3 protein function with a negative predictive value of 95%. In summary, the available evidence is currently insufficient to determine the role of this variant in disease. Therefore, it has been classified as a Variant of Uncertain Significance.

NM_004369.4(COL6A3):c.1507C>A (p.Pro503Thr)

Gene: COL6A3 (collagen type VI alpha 3 chain; minus strand). Cytogenetic location: 2q37.3.
Variant type: single nucleotide variant.
Coding change: c.1507C>A on transcript NM_004369.4 (MANE Select); coding-DNA position 1507, C replaced by A.
Protein change: p.Pro503Thr; replaces proline 503 with threonine.
Molecular consequence: missense variant.
Genome position (GRCh38, 1-based): chr2:237,381,305, G>T on the plus strand (C>A on the coding strand, the complement: COL6A3 is on the minus strand). VCF-style: chr2-237381305-G-T. GRCh37 (hg19) VCF-style: chr2-238289948-G-T.
Other names: c.286C>A, p.Pro96Thr (NM_057164.5, NM_057166.5); c.889C>A, p.Pro297Thr (NM_057165.5, NM_057167.4); short protein forms P297T, P96T, P503T.
Identifiers: ClinVar variation 2814694 (VCV002814694.3), dbSNP rs2469929761, ClinGen allele CA351217829.